The following is an entry in ClinVar:

NM_005751.5(AKAP9):c.172G>A (p.Asp58Asn)

Gene: AKAP9 (A-kinase anchoring protein 9; plus strand). Cytogenetic location: 7q21.2.
Variant type: single nucleotide variant.
Coding change: c.172G>A on transcript NM_005751.5 (MANE Select); coding-DNA position 172, G replaced by A.
Protein change: p.Asp58Asn; replaces aspartic acid 58 with asparagine.
Molecular consequence: missense variant.
Genome position (GRCh38, 1-based): chr7:91,973,834, G>A. VCF-style: chr7-91973834-G-A. GRCh37 (hg19) VCF-style: chr7-91603148-G-A.
Other names: c.172G>A, p.Asp58Asn (NM_147185.3); short protein forms D58N.
Identifiers: ClinVar variation 2150166 (VCV002150166.4), dbSNP rs768477512, ClinGen allele CA4335741.

ClinVar aggregate classification (germline): Uncertain significance (1 of 4 stars; one submission).

Conditions:
Long QT syndrome (LQTS). Identifiers: MedGen C0023976, MeSH D008133, MONDO:0002442. Disease mechanism: loss of function. Inheritance: Various modes of inheritance.

Allele frequency attached by ClinVar (database versions not stated): ExAC 0.00001; gnomAD exomes 0.00001.
gnomAD v4.1: 3 of 1,614,010 alleles (0.00019%); highest among the groups gnomAD compares: Non-Finnish European, 0.00025%; no homozygotes.

Submission:

Labcorp Genetics (formerly Invitae), Labcorp
Classification: Uncertain significance for Long QT syndrome. Last evaluated: 2022-03-30. Review status: criteria provided, single submitter. Criteria: Invitae Variant Classification Sherloc (09022015). Collection method: clinical testing. Allele origin: germline.
Comment: Algorithms developed to predict the effect of missense changes on protein structure and function output the following: SIFT: "Tolerated"; PolyPhen-2: "Benign"; Align-GVGD: "Class C0". The asparagine amino acid residue is found in multiple mammalian species, which suggests that this missense change does not adversely affect protein function. In summary, the available evidence is currently insufficient to determine the role of this variant in disease. Therefore, it has been classified as a Variant of Uncertain Significance. This variant has not been reported in the literature in individuals affected with AKAP9-related conditions. This variant is present in population databases (rs768477512, gnomAD 0.0009%). This sequence change replaces aspartic acid, which is acidic and polar, with asparagine, which is neutral and polar, at codon 58 of the AKAP9 protein (p.Asp58Asn).